The following is an entry in ClinVar:

ClinVar aggregate classification (germline): Uncertain significance (1 of 4 stars; one submission).

Submission:

GeneDx
Classification: Uncertain significance. Last evaluated: 2026-04-23. Review status: criteria provided, single submitter. Criteria: GeneDx Variant Classification Process June 2021. Collection method: clinical testing. Allele origin: germline.
Comment: Not observed at significant frequency in large population cohorts (gnomAD); Nonsense variant predicted to result in protein truncation or nonsense mediated decay in a gene or region of a gene for which loss of function is not a well-established mechanism of disease; Has not been previously published as pathogenic or benign to our knowledge

NM_001394062.1(MACF1):c.15745G>T (p.Glu5249Ter)

Gene: MACF1 (microtubule actin crosslinking factor 1; plus strand). Cytogenetic location: 1p34.3.
Variant type: single nucleotide variant.
Coding change: c.15745G>T on transcript NM_001394062.1 (MANE Select); coding-DNA position 15745, G replaced by T.
Protein change: p.Glu5249Ter; replaces glutamic acid 5249 with a stop codon.
Molecular consequence: nonsense.
Genome position (GRCh38, 1-based): chr1:39,388,587, G>T. VCF-style: chr1-39388587-G-T. GRCh37 (hg19) VCF-style: chr1-39854259-G-T.
Other names: c.9559G>T, p.Glu3187Ter (NM_012090.5); short protein forms E3187*, E5249*.
Identifiers: ClinVar variation 5037606 (VCV005037606.1).
Genomic context (GRCh38, chr1:39,388,587, plus strand): 5'-CGTGTAGAGGACTTCTACAGGAAATTGAAAGGACTCAATGACGCGACCACAGCAGCAGAG[G>T]AGGCAGAGGCCCTCCAGTGGGTAGTGGGGACCGAAGTGGAAATCATCAACCAACAATTAG-3'